The following is an entry in ClinVar:

NM_016734.3(PAX5):c.953A>G (p.His318Arg)

Gene: PAX5 (paired box 5; minus strand). Cytogenetic location: 9p13.2.
Variant type: single nucleotide variant.
Coding change: c.953A>G on transcript NM_016734.3 (MANE Select); coding-DNA position 953, A replaced by G.
Protein change: p.His318Arg; replaces histidine 318 with arginine.
Molecular consequence: missense variant. On other transcripts: non-coding transcript variant (2), intron variant (6).
Genome position (GRCh38, 1-based): chr9:36,882,063, T>C on the plus strand (A>G on the coding strand, the complement: PAX5 is on the minus strand). VCF-style: chr9-36882063-T-C. GRCh37 (hg19) VCF-style: chr9-36882060-T-C.
Other names: c.953A>G, p.His318Arg (NM_001280548.2); c.824A>G, p.His275Arg (NM_001280553.2, NM_001280554.2); c.629A>G, p.His210Arg (NM_001280556.2); c.586+41292A>G (NM_001280551.2); c.713-35134A>G (NM_001280555.2); c.781-41427A>G (NM_001280550.2); c.781-35134A>G (NM_001280549.2); c.910+41292A>G (NM_001280552.2); and 1 more; short protein forms H318R, H210R, H275R.
Identifiers: ClinVar variation 4825462 (VCV004825462.1).

ClinVar aggregate classification (germline): Uncertain significance (1 of 4 stars; one submission).

Conditions:
Inborn genetic diseases. Identifiers: MedGen C0950123, MeSH D030342.

Submission:

Ambry Genetics
Classification: Uncertain significance for Inborn genetic diseases. Last evaluated: 2026-01-17. Review status: criteria provided, single submitter. Criteria: Ambry Variant Classification Scheme 2023. Collection method: clinical testing. Allele origin: germline.
Comment: The p.H318R variant (also known as c.953A>G), located in coding exon 8 of the PAX5 gene, results from an A to G substitution at nucleotide position 953. The histidine at codon 318 is replaced by arginine, an amino acid with highly similar properties. This amino acid position is conserved. In addition, the in silico prediction for this alteration is inconclusive. Based on the available evidence, the clinical significance of this variant remains unclear.